The following is an entry in ClinVar:

NM_016616.5(NME8):c.229C>A (p.Pro77Thr)

Gene: NME8 (NME/NM23 family member 8; plus strand). Cytogenetic location: 7p14.1.
Variant type: single nucleotide variant.
Coding change: c.229C>A on transcript NM_016616.5 (MANE Select); coding-DNA position 229, C replaced by A.
Protein change: p.Pro77Thr; replaces proline 77 with threonine.
Molecular consequence: missense variant.
Genome position (GRCh38, 1-based): chr7:37,857,304, C>A. VCF-style: chr7-37857304-C-A. GRCh37 (hg19) VCF-style: chr7-37896906-C-A.
Other names: short protein forms P77T.
Identifiers: ClinVar variation 2862268 (VCV002862268.3), dbSNP rs1460179248, ClinGen allele CA367220141.

ClinVar aggregate classification (germline): Uncertain significance (1 of 4 stars; one submission).

Conditions:
Primary ciliary dyskinesia 6. Also called: Primary Ciliary Dyskinesia 6: TXNDC3-Related Primary Ciliary Dyskinesia. Identifiers: Orphanet 244, MedGen C1970506, MONDO:0012571, OMIM 610852.

Submission:

Labcorp Genetics (formerly Invitae), Labcorp
Classification: Uncertain significance for Primary ciliary dyskinesia 6. Last evaluated: 2023-05-15. Review status: criteria provided, single submitter. Criteria: Invitae Variant Classification Sherloc (09022015). Collection method: clinical testing. Allele origin: germline.
Comment: In summary, the available evidence is currently insufficient to determine the role of this variant in disease. Therefore, it has been classified as a Variant of Uncertain Significance. Advanced modeling of protein sequence and biophysical properties (such as structural, functional, and spatial information, amino acid conservation, physicochemical variation, residue mobility, and thermodynamic stability) performed at Invitae indicates that this missense variant is not expected to disrupt NME8 protein function. This variant has not been reported in the literature in individuals affected with NME8-related conditions. This variant is not present in population databases (gnomAD no frequency). This sequence change replaces proline, which is neutral and non-polar, with threonine, which is neutral and polar, at codon 77 of the NME8 protein (p.Pro77Thr).